The following is an entry in ClinVar:

ClinVar aggregate classification (germline): Uncertain significance (1 of 4 stars; one submission).

Conditions:
Cardiovascular phenotype. Identifiers: MedGen CN230736.

Allele frequency attached by ClinVar (database versions not stated): ExAC 0.00002; gnomAD exomes 0.00003; gnomAD 0.00004.
gnomAD v4.1: 44 of 1,613,942 alleles (0.0027%); highest among the groups gnomAD compares: Non-Finnish European, 0.0037%; no homozygotes.

Submission:

Ambry Genetics
Classification: Uncertain significance for Cardiovascular phenotype. Last evaluated: 2025-02-06. Review status: criteria provided, single submitter. Criteria: Ambry Variant Classification Scheme 2023. Collection method: clinical testing. Allele origin: germline.
Comment: The p.A2569V variant (also known as c.7706C>T), located in coding exon 38 of the ANK2 gene, results from a C to T substitution at nucleotide position 7706. The alanine at codon 2569 is replaced by valine, an amino acid with similar properties. This amino acid position is conserved. In addition, this alteration is predicted to be tolerated by in silico analysis. Since supporting evidence is limited at this time, the clinical significance of this alteration remains unclear.

NM_001148.6(ANK2):c.7706C>T (p.Ala2569Val)

Genes: ANK2 (ankyrin 2; plus strand), LOC126807137 (CDK7 strongly-dependent group 2 enhancer GRCh37_chr4:114276560-114277759; plus strand). Cytogenetic location: 4q26.
Variant type: single nucleotide variant.
Coding change: c.7706C>T on transcript NM_001148.6 (MANE Select); coding-DNA position 7706, C replaced by T.
Protein change: p.Ala2569Val; replaces alanine 2569 with valine.
Molecular consequence: missense variant. On other transcripts: intron variant (68).
Genome position (GRCh38, 1-based): chr4:113,356,324, C>T. VCF-style: chr4-113356324-C-T. GRCh37 (hg19) VCF-style: chr4-114277480-C-T.
Other names: c.7472C>T, p.Ala2491Val (NM_001386142.1); c.4106C>T, p.Ala1369Val (NM_001386166.1); c.7847C>T, p.Ala2616Val (NM_001386174.1); c.7823C>T, p.Ala2608Val (NM_001386175.1); c.4412-4499C>T (NM_001386186.2, NM_001386148.2); c.4214-4499C>T (NM_001354269.3); c.4292-4499C>T (NM_001386187.2); c.4253-4499C>T (NM_001386147.1); and 35 more; short protein forms A2491V, A2616V, A2569V, A1369V, A2608V.
Identifiers: ClinVar variation 2497624 (VCV002497624.3), dbSNP rs756440192, ClinGen allele CA3051640.